The following is an entry in ClinVar:

NM_001378615.1(CC2D2A):c.247+452C>A

Genes: CC2D2A (coiled-coil and C2 domain containing 2A; plus strand), FBXL5 (F-box and leucine rich repeat protein 5; minus strand). Cytogenetic location: 4p15.32.
Variant type: single nucleotide variant.
Coding change: c.247+452C>A on transcript NM_001378615.1 (MANE Select); 452 bases into the intron after coding-DNA position 247, C replaced by A.
Molecular consequence: intron variant. On other transcripts: synonymous variant (1), 3 prime UTR variant (1).
Genome position (GRCh38, 1-based): chr4:15,481,279, C>A. VCF-style: chr4-15481279-C-A. GRCh37 (hg19) VCF-style: chr4-15482903-C-A.
Other names: c.330C>A, p.Gly110= (NM_001164720.3); c.*67C>A (NM_020785.2); c.247+452C>A (NM_001080522.2); c.100+452C>A (NM_001378617.1).
Identifiers: ClinVar variation 3030701 (VCV003030701.2), dbSNP rs570923728, ClinGen allele CA2863327.
Genomic context (GRCh38, chr4:15,481,279, plus strand): 5'-CCTGGGCAGGCCAGGCACGGTGACTCACGTCTGTAATCCCAGCACTTTGGAAGGCCGAGG[C>A]GGGTAAATCACCTGAGGTTGGGAGTTCAAGACCAGCCTGACCAACATGGAGAAACCCCAT-3'

ClinVar aggregate classification (germline): Likely benign (0 of 4 stars; one submission).

Conditions:
CC2D2A-related disorder. Also called: CC2D2A-related condition; CC2D2A-related disorders. Identifiers: MedGen CN239313.

Submission:

PreventionGenetics, part of Exact Sciences
Classification: Likely benign for CC2D2A-related condition. Last evaluated: 2021-06-28. Review status: no assertion criteria provided. Collection method: clinical testing. Allele origin: germline.
Comment: This variant is classified as likely benign based on ACMG/AMP sequence variant interpretation guidelines (Richards et al. 2015 PMID: 25741868, with internal and published modifications).